The following is an entry in ClinVar:

ClinVar aggregate classification (germline): Benign/Likely benign. Review status: criteria provided, multiple submitters, no conflicts (2 of 4 stars). 5 submissions from 5 submitters: Benign (3); Likely benign (2). Last evaluated 2026-01-27.

Allele frequency attached by ClinVar (database versions not stated): 1000 Genomes Project 0.00300; 1000 Genomes Project 30x 0.00312; gnomAD 0.00561 and 0.00565; gnomAD exomes 0.00590 and 0.00852; ExAC 0.00613; TOPMed 0.00643; ESP Exome Variant Server 0.00684.
gnomAD v4.1: 13,297 of 1,614,204 alleles (0.82%); highest among the groups gnomAD compares: Non-Finnish European, 0.99%; 77 homozygotes.

Submissions (5):

Labcorp Genetics (formerly Invitae), Labcorp
Classification: Benign. Last evaluated: 2026-01-27. Review status: criteria provided, single submitter. Criteria: Invitae Variant Classification Sherloc (09022015). Collection method: clinical testing. Allele origin: germline.

Women's Health and Genetics/Laboratory Corporation of America, LabCorp
Classification: Likely benign. Last evaluated: 2026-01-22. Review status: criteria provided, single submitter. Criteria: LabCorp Variant Classification Summary - May 2015. Collection method: clinical testing. Allele origin: germline.

Genomic Medicine Center of Excellence, King Faisal Specialist Hospital and Research Centre
Classification: Likely benign. Last evaluated: 2025-08-18. Review status: criteria provided, single submitter. Criteria: ACMG Guidelines, 2015. Collection method: clinical testing. Allele origin: germline.

CeGaT Center for Human Genetics Tuebingen
Classification: Benign. Last evaluated: 2024-03-01. Review status: criteria provided, single submitter. Criteria: CeGaT Center For Human Genetics Tuebingen Variant Classification Criteria Version 2. Collection method: clinical testing. Allele origin: germline. Affected: yes. Observed: 8 variant alleles.
Comment: ALPK1: BP4, BS1, BS2

Breakthrough Genomics
Classification: Benign. Review status: criteria provided, single submitter. Criteria: ACMG Guidelines, 2015. Collection method: not provided. Allele origin: germline. Inheritance: Autosomal dominant inheritance. Affected: yes.

NM_025144.4(ALPK1):c.2618G>T (p.Arg873Ile)

Gene: ALPK1 (alpha kinase 1; plus strand). Cytogenetic location: 4q25.
Variant type: single nucleotide variant.
Coding change: c.2618G>T on transcript NM_025144.4 (MANE Select); coding-DNA position 2618, G replaced by T.
Protein change: p.Arg873Ile; replaces arginine 873 with isoleucine.
Molecular consequence: missense variant.
Genome position (GRCh38, 1-based): chr4:112,432,165, G>T. VCF-style: chr4-112432165-G-T. GRCh37 (hg19) VCF-style: chr4-113353321-G-T.
Other names: c.2618G>T, p.Arg873Ile (NM_001102406.2); c.2384G>T, p.Arg795Ile (NM_001253884.2); short protein forms R873I, R795I.
Identifiers: ClinVar variation 790787 (VCV000790787.38), dbSNP rs34946272, ClinGen allele CA3046951.
Genomic context (GRCh38, chr4:112,432,165, plus strand): 5'-AGGAGGGGCAACTGCTCGACAGCATGGATGTTCCCTGCACAAATGGGCACGGCTCTCATA[G>T]ACTGTGCATTCTGAGACAGCCGCCTGGTCAGAGGGCGGAGACCCCCAATTCCTCTGTAAG-3'
Protein context (NP_079420.3, residues 863-883): VPCTNGHGSH[Arg873Ile]LCILRQPPGQ